The following is an entry in ClinVar:

ClinVar aggregate classification (germline): Uncertain significance (1 of 4 stars; one submission).

Submission:

GeneDx
Classification: Uncertain significance. Last evaluated: 2024-08-09. Review status: criteria provided, single submitter. Criteria: GeneDx Variant Classification Process June 2021. Collection method: clinical testing. Allele origin: germline. Affected: yes.
Comment: Not observed at significant frequency in large population cohorts (gnomAD); In silico analysis indicates that this missense variant does not alter protein structure/function; Has not been previously published as pathogenic or benign to our knowledge

NM_001278116.2(L1CAM):c.3552G>C (p.Glu1184Asp)

Gene: L1CAM (L1 cell adhesion molecule; minus strand). Cytogenetic location: Xq28.
Variant type: single nucleotide variant.
Coding change: c.3552G>C on transcript NM_001278116.2 (MANE Select); coding-DNA position 3552, G replaced by C.
Protein change: p.Glu1184Asp; replaces glutamic acid 1184 with aspartic acid.
Molecular consequence: missense variant.
Genome position (GRCh38, 1-based): chrX:153,862,885, C>G on the plus strand (G>C on the coding strand, the complement: L1CAM is on the minus strand). VCF-style: chrX-153862885-C-G. GRCh37 (hg19) VCF-style: chrX-153128340-C-G.
Other names: c.3552G>C, p.Glu1184Asp (NM_000425.5); c.3525G>C, p.Glu1175Asp (NM_001143963.2); c.3540G>C, p.Glu1180Asp (NM_024003.3); short protein forms E1175D, E1180D, E1184D.
Identifiers: ClinVar variation 3603017 (VCV003603017.1).